The following is an entry in ClinVar:

NM_198859.4(PRICKLE2):c.920C>G (p.Ser307Ter)

Gene: PRICKLE2 (prickle planar cell polarity protein 2; minus strand). Cytogenetic location: 3p14.1.
Variant type: single nucleotide variant.
Coding change: c.920C>G on transcript NM_198859.4 (MANE Select); coding-DNA position 920, C replaced by G.
Protein change: p.Ser307Ter; replaces serine 307 with a stop codon.
Molecular consequence: nonsense.
Genome position (GRCh38, 1-based): chr3:64,147,570, G>C on the plus strand (C>G on the coding strand, the complement: PRICKLE2 is on the minus strand). VCF-style: chr3-64147570-G-C. GRCh37 (hg19) VCF-style: chr3-64133246-G-C.
Other names: c.920C>G, p.Ser307Ter (NM_001370528.1); short protein forms S307*.
Identifiers: ClinVar variation 1023678 (VCV001023678.5), dbSNP rs2077478027, ClinGen allele CA353432216.
Genomic context (GRCh38, chr3:64,147,570, plus strand): 5'-TGGAAGGCGGAATCAGAGGAGTCAGAACCATTGGGGTCTTCCCCAGCACTGCAGGCCCGT[G>C]AGCAGAATATCTGGCCCTGCTTCGGGAGGAATGGCCGCCCCAGGAGGGATTTCTTGCAGT-3'

ClinVar aggregate classification (germline): Uncertain significance (1 of 4 stars; one submission).

Conditions:
Progressive myoclonic epilepsy type 5. Identifiers: Orphanet 402082, MedGen C5190799.

Submission:

Labcorp Genetics (formerly Invitae), Labcorp
Classification: Uncertain significance for Progressive myoclonic epilepsy type 5. Last evaluated: 2020-06-24. Review status: criteria provided, single submitter. Criteria: Invitae Variant Classification Sherloc (09022015). Collection method: clinical testing. Allele origin: germline.
Comment: In summary, the available evidence is currently insufficient to determine the role of this variant in disease. Therefore, it has been classified as a Variant of Uncertain Significance. The current clinical and genetic evidence is not sufficient to establish whether loss-of-function variants in PRICKLE2 cause disease. This variant has not been reported in the literature in individuals with PRICKLE2-related conditions. This variant is not present in population databases (ExAC no frequency). This sequence change creates a premature translational stop signal (p.Ser307*) in the PRICKLE2 gene. It is expected to result in an absent or disrupted protein product.